The following is an entry in ClinVar:

NM_002718.5(PPP2R3A):c.1441C>G (p.Pro481Ala)

Gene: PPP2R3A (protein phosphatase 2 regulatory subunit B''alpha; plus strand). Cytogenetic location: 3q22.3.
Variant type: single nucleotide variant.
Coding change: c.1441C>G on transcript NM_002718.5 (MANE Select); coding-DNA position 1441, C replaced by G.
Protein change: p.Pro481Ala; replaces proline 481 with alanine.
Molecular consequence: missense variant. On other transcripts: intron variant (1).
Genome position (GRCh38, 1-based): chr3:136,002,939, C>G. VCF-style: chr3-136002939-C-G. GRCh37 (hg19) VCF-style: chr3-135721781-C-G.
Other names: c.-213-23893C>G (NM_001190447.2); short protein forms P481A.
Identifiers: ClinVar variation 3056589 (VCV003056589.2), dbSNP rs34901937, ClinGen allele CA2630574.
Genomic context (GRCh38, chr3:136,002,939, plus strand): 5'-TGCCCCACCCCAATGCAAAATGAAATTGGTAAGATATTTGAGAAATCATTTGTTAATCTA[C>G]CTAAGGAAGACTGTAAATCAAAAGTTTCTAAATTTGAAGAGGGAGACCAGAGAGATTTTA-3'
Protein context (NP_002709.2, residues 471-491): KIFEKSFVNL[Pro481Ala]KEDCKSKVSK

ClinVar aggregate classification (germline): Benign (0 of 4 stars; one submission).

Conditions:
PPP2R3A-related disorder. Also called: PPP2R3A-related condition.

Allele frequency attached by ClinVar (database versions not stated): 1000 Genomes Project 30x 0.03092; 1000 Genomes Project 0.03095; TOPMed 0.05200; gnomAD 0.05320; ESP Exome Variant Server 0.05734; ExAC 0.06046; gnomAD exomes 0.06963.
gnomAD v4.1: 109,674 of 1,612,530 alleles (6.8%); highest among the groups gnomAD compares: Non-Finnish European, 7.6%; 4,250 homozygotes.

Submission:

PreventionGenetics, part of Exact Sciences
Classification: Benign for PPP2R3A-related condition. Last evaluated: 2019-03-22. Review status: no assertion criteria provided. Collection method: clinical testing. Allele origin: germline.
Comment: This variant is classified as benign based on ACMG/AMP sequence variant interpretation guidelines (Richards et al. 2015 PMID: 25741868, with internal and published modifications).